The following is an entry in ClinVar:

NM_003849.4(SUCLG1):c.654G>A (p.Leu218=)

Gene: SUCLG1 (succinate-CoA ligase GDP/ADP-forming subunit alpha; minus strand). Cytogenetic location: 2p11.2.
Variant type: single nucleotide variant.
Coding change: c.654G>A on transcript NM_003849.4 (MANE Select); coding-DNA position 654, G replaced by A.
Protein change: p.Leu218=; no amino-acid change (leucine 218 retained).
Molecular consequence: synonymous variant.
Genome position (GRCh38, 1-based): chr2:84,433,371, C>T on the plus strand (G>A on the coding strand, the complement: SUCLG1 is on the minus strand). VCF-style: chr2-84433371-C-T. GRCh37 (hg19) VCF-style: chr2-84660495-C-T.
Other names: c.654G>A (NM_003849.3).
Identifiers: ClinVar variation 2059746 (VCV002059746.2), dbSNP rs979571763, ClinGen allele CA52253608.

ClinVar aggregate classification (germline): Uncertain significance. Review status: criteria provided, multiple submitters, no conflicts (2 of 4 stars). 2 submissions from 2 submitters: Uncertain significance (2). Last evaluated 2024-12-20.

Conditions:
Mitochondrial DNA depletion syndrome 9 (MTDPS9). Also called: SUCLG1-Related Mitochondrial DNA Depletion Syndrome, Encephalomyopathic Form with Methylmalonic Aciduria. Identifiers: Orphanet 17, MedGen C3151476, MONDO:0009504, OMIM 245400.
SUCLG1-related disorder. Also called: SUCLG1-related condition.

Allele frequency attached by ClinVar (database versions not stated): gnomAD exomes 0.00002; gnomAD 0.00005; TOPMed 0.00005.
gnomAD v4.1: 32 of 1,613,840 alleles (0.002%); highest among the groups gnomAD compares: Non-Finnish European, 0.0025%; no homozygotes.

Submissions (2):

PreventionGenetics, part of Exact Sciences
Classification: Uncertain significance for SUCLG1-related condition. Last evaluated: 2024-12-20. Review status: criteria provided, single submitter. Criteria: ACMG Guidelines, 2015. Collection method: clinical testing. Allele origin: germline.
Comment: The SUCLG1 c.654G>A variant is not predicted to result in an amino acid change (p.=). However, such computer predictions are not equivalent to functional evidence. To our knowledge, this variant has not been reported in the literature. This variant is reported in 0.011% of alleles in individuals of African descent in gnomAD. At this time, the clinical significance of this variant is uncertain due to the absence of conclusive functional and genetic evidence.

Labcorp Genetics (formerly Invitae), Labcorp
Classification: Uncertain significance for Mitochondrial DNA depletion syndrome 9. Last evaluated: 2022-04-19. Review status: criteria provided, single submitter. Criteria: Invitae Variant Classification Sherloc (09022015). Collection method: clinical testing. Allele origin: germline.
Comment: This sequence change affects codon 218 of the SUCLG1 mRNA. It is a 'silent' change, meaning that it does not change the encoded amino acid sequence of the SUCLG1 protein. This variant is present in population databases (no rsID available, gnomAD 0.01%). This variant has not been reported in the literature in individuals affected with SUCLG1-related conditions. Algorithms developed to predict the effect of sequence changes on RNA splicing suggest that this variant may disrupt the consensus splice site. In summary, the available evidence is currently insufficient to determine the role of this variant in disease. Therefore, it has been classified as a Variant of Uncertain Significance.